The following is an entry in ClinVar:

NM_002734.5(PRKAR1A):c.861A>C (p.Glu287Asp)

Gene: PRKAR1A (protein kinase cAMP-dependent type I regulatory subunit alpha; plus strand). Cytogenetic location: 17q24.2.
Variant type: single nucleotide variant.
Coding change: c.861A>C on transcript NM_002734.5 (MANE Select); coding-DNA position 861, A replaced by C.
Protein change: p.Glu287Asp; replaces glutamic acid 287 with aspartic acid.
Molecular consequence: missense variant.
Genome position (GRCh38, 1-based): chr17:68,528,961, A>C. VCF-style: chr17-68528961-A-C. GRCh37 (hg19) VCF-style: chr17-66525102-A-C.
Other names: c.861A>C, p.Glu287Asp (NM_001276289.2, NM_001276290.1, NM_001278433.2 and 4 more transcripts); short protein forms E287D.
Identifiers: ClinVar variation 1052731 (VCV001052731.9), dbSNP rs2143368023, ClinGen allele CA400753987.

ClinVar aggregate classification (germline): Uncertain significance (1 of 4 stars; one submission).

Conditions:
Carney complex, type 1 (CNC1). Also called: CARNEY MYXOMA-ENDOCRINE COMPLEX; CARNEY COMPLEX, TYPE I. Identifiers: Orphanet 1359, MedGen C2607929, MONDO:0008057, OMIM 160980.

Submission:

Labcorp Genetics (formerly Invitae), Labcorp
Classification: Uncertain significance for Carney complex, type 1. Last evaluated: 2023-06-01. Review status: criteria provided, single submitter. Criteria: Invitae Variant Classification Sherloc (09022015). Collection method: clinical testing. Allele origin: germline.
Comment: In summary, the available evidence is currently insufficient to determine the role of this variant in disease. Therefore, it has been classified as a Variant of Uncertain Significance. Advanced modeling performed at Invitae incorporating data from internal and/or published experimental studies (Invitae) indicates that this missense variant is expected to disrupt PRKAR1A function. ClinVar contains an entry for this variant (Variation ID: 1052731). This variant has not been reported in the literature in individuals affected with PRKAR1A-related conditions. This variant is not present in population databases (gnomAD no frequency). This sequence change replaces glutamic acid, which is acidic and polar, with aspartic acid, which is acidic and polar, at codon 287 of the PRKAR1A protein (p.Glu287Asp).